The following is an entry in ClinVar:

ClinVar aggregate classification (germline): Likely benign; drug response; other. Review status: criteria provided, multiple submitters, no conflicts (2 of 4 stars). 5 submissions from 4 submitters: Likely benign (1). 1 of the submissions does not count toward it. Last evaluated 2019-05-01.

Conditions:
Tamoxifen response. Also called: Nolvadex response. Identifiers: MedGen CN078013.
Tramadol response. Also called: Ultram response. Identifiers: MedGen CN078023.
Deutetrabenazine response. Also called: Austedo response. Identifiers: MedGen CN258189.

Allele frequency attached by ClinVar (database versions not stated): 1000 Genomes Project 30x 0.06137; 1000 Genomes Project 0.06350; gnomAD 0.06736 and 0.06942; TOPMed 0.07025; ESP Exome Variant Server 0.07758; gnomAD exomes 0.08073 and 0.09355; ExAC 0.08082.

Submissions (5):

Medical Genetics Summaries
Classification: drug response for Deutetrabenazine response. Last evaluated: 2019-05-01. Review status: criteria provided, single submitter. Criteria: Deutetrabenazine Therapy and CYP2D6 Genotype. Collection method: curation. Allele origin: germline.
Comment: CYP2D6*41 has decreased function: individuals with one decreased function and one no function allele ( e.g., *4/*41) are intermediate metabolizers; individuals with two decreased function alleles (e.g. *41/*41) are normal metabolizers or intermediate metabolizers (controversy remains). Therapeutic recommendations from professional societies state that the maximum dose of deutetrabenazine should not exceed 36 mg per day in individuals with 2 decreased function alleles (CYP2D6 poor metabolizers) to avoid abnormally high plasma levels due to reduced metabolic clearance.

Medical Genetics Summaries
Classification: drug response for Tamoxifen response. Last evaluated: 2019-05-01. Review status: criteria provided, single submitter. Criteria: Tamoxifen Therapy and CYP2D6 Genotype. Collection method: curation. Allele origin: germline.
Comment: CYP2D6*41 has decreased function: individuals with one decreased function and one no function allele ( e.g., *4/*41) are intermediate metabolizers; individuals with two decreased function alleles (e.g. *41/*41) are normal metabolizers or intermediate metabolizers (controversy remains). Therapeutic recommendations from professional societies state that intermediate metabolizers may benefit less from tamoxifen therapy because they have lower concentrations of tamoxifen's major active metabolite, endoxifin, compared with normal metabolizers.

Eurofins Ntd Llc (ga)
Classification: other. Last evaluated: 2018-08-06. Review status: criteria provided, single submitter. Criteria: EGL ClinVar v180209 classification definitions. Collection method: clinical testing. Allele origin: germline.

GeneDx
Classification: Likely benign. Last evaluated: 2018-04-12. Review status: criteria provided, single submitter. Criteria: GeneDx Variant Classification (06012015). Collection method: clinical testing. Allele origin: germline. Affected: yes.
Comment: This variant is considered likely benign or benign based on one or more of the following criteria: it is a conservative change, it occurs at a poorly conserved position in the protein, it is predicted to be benign by multiple in silico algorithms, and/or has population frequency not consistent with disease.

Bruce Budowle Laboratory, University of North Texas Health Science Center
Classification: drug response for Tramadol response. Last evaluated: 2018-04-28. Review status: no assertion criteria provided. Collection method: research. Allele origin: somatic. Affected: yes. Observed: 32 variant alleles. Not counted in ClinVar's aggregate classification.

Literature cited by the submitters: PubMed 27380339 (cited by Medical Genetics Summaries); PubMed 27380342 (cited by Medical Genetics Summaries); PubMed 27819145 (cited by Medical Genetics Summaries); PubMed 29497277 (cited by Medical Genetics Summaries); PubMed 28265459 (cited by Medical Genetics Summaries); PubMed 29449008 (cited by Medical Genetics Summaries); PubMed 29385237 (cited by Medical Genetics Summaries); PubMed 21814747 (cited by Medical Genetics Summaries); PubMed 15159443 (cited by Medical Genetics Summaries); PubMed 24697814 (cited by Medical Genetics Summaries); PubMed 28955222 (cited by Medical Genetics Summaries); PubMed 29459457 (cited by Medical Genetics Summaries); PubMed 29801584 (cited by Medical Genetics Summaries); PubMed 27883289 (cited by Medical Genetics Summaries); PubMed 28592184 (cited by Medical Genetics Summaries); PubMed 27249031 (cited by Medical Genetics Summaries); PubMed 27060675 (cited by Medical Genetics Summaries); PubMed 27551126 (cited by Medical Genetics Summaries); PubMed 27226358 (cited by Medical Genetics Summaries); PubMed 29183390 (cited by Medical Genetics Summaries); PubMed 28762370 (cited by Medical Genetics Summaries); PubMed 23872831 (cited by Medical Genetics Summaries); PubMed 24033728 (cited by Medical Genetics Summaries); PubMed 29135105 (cited by Medical Genetics Summaries); PubMed 28730340 (cited by Medical Genetics Summaries); PubMed 22395644 (cited by Medical Genetics Summaries); PubMed 22395643 (cited by Medical Genetics Summaries); PubMed 27988492 (cited by Medical Genetics Summaries); PubMed 30676859 (cited by Medical Genetics Summaries); PubMed 17761971 (cited by Medical Genetics Summaries); PubMed 25091503 (cited by Medical Genetics Summaries); PubMed 24329190 (cited by Medical Genetics Summaries); PubMed 24060820 (cited by Medical Genetics Summaries); PubMed 27797974 (cited by Medical Genetics Summaries); PubMed 19809024 (cited by Medical Genetics Summaries).

CYP2D6*41

Gene: CYP2D6 (cytochrome P450 family 2 subfamily D member 6 (gene/pseudogene); minus strand). Cytogenetic location: 22q13.2.
Variant type: single nucleotide variant.
Molecular consequence: intron variant (on NM_000106.6).
Genome position: GRCh38 VCF-style: chr22-42127803-C-T. GRCh37 (hg19) VCF-style: chr22-42523805-C-T.
Other names: NM_000106.5(CYP2D6):c.985+39G>A; 2988G>A; c.985+39G>A (LRG_303t1, NM_000106.6); c.832+39G>A (NM_001025161.3).
Identifiers: ClinVar variation 39381 (VCV000039381.12), dbSNP rs28371725, ClinGen allele CA10264731.